The following is an entry in ClinVar:

NM_019109.5(ALG1):c.1188-1G>A

Gene: ALG1 (ALG1 chitobiosyldiphosphodolichol beta-mannosyltransferase; plus strand). Cytogenetic location: 16p13.3.
Variant type: single nucleotide variant.
Coding change: c.1188-1G>A on transcript NM_019109.5 (MANE Select); the canonical splice acceptor site of the intron before coding-DNA position 1188, G replaced by A.
Molecular consequence: splice acceptor variant.
Genome position (GRCh38, 1-based): chr16:5,083,681, G>A. VCF-style: chr16-5083681-G-A. GRCh37 (hg19) VCF-style: chr16-5133682-G-A.
Other names: c.855-1G>A (NM_001330504.2).
Identifiers: ClinVar variation 1683367 (VCV001683367.1), dbSNP rs2142728485, ClinGen allele CA394674503.

ClinVar aggregate classification (germline): Likely pathogenic (1 of 4 stars; one submission).

Conditions:
ALG1-congenital disorder of glycosylation. Also called: CONGENITAL DISORDER OF GLYCOSYLATION, TYPE Ik; ALG1-CDG; CDG Ik. Identifiers: Orphanet 79327, MedGen C2931005, MONDO:0012052, OMIM 608540.

Submission:

Women's Health and Genetics/Laboratory Corporation of America, LabCorp
Classification: Likely pathogenic for ALG1-congenital disorder of glycosylation. Last evaluated: 2022-04-07. Review status: criteria provided, single submitter. Criteria: LabCorp Variant Classification Summary - May 2015. Collection method: clinical testing. Allele origin: germline.
Comment: Variant summary: ALG1 c.1188-1G>A is located in a canonical splice-site and is predicted to affect mRNA splicing resulting in a significantly altered protein due to either exon skipping, shortening, or inclusion of intronic material. Several computational tools predict a significant impact on normal splicing: Four predict the variant abolishes a 3' acceptor site. However, these predictions have yet to be confirmed by functional studies. The variant was absent in 238498 control chromosomes (gnomAD). To our knowledge, no occurrence of c.1188-1G>A in individuals affected with Congenital Disorder Of Glycosylation Type 1K and no experimental evidence demonstrating its impact on protein function have been reported. No clinical diagnostic laboratories have submitted clinical-significance assessments for this variant to ClinVar after 2014. Based on the evidence outlined above, the variant was classified as likely pathogenic.